The following is an entry in ClinVar:

NM_001303256.3(MORC2):c.2224G>C (p.Val742Leu)

Gene: MORC2 (MORC family CW-type zinc finger 2; minus strand). Cytogenetic location: 22q12.2.
Variant type: single nucleotide variant.
Coding change: c.2224G>C on transcript NM_001303256.3 (MANE Select); coding-DNA position 2224, G replaced by C.
Protein change: p.Val742Leu; replaces valine 742 with leucine.
Molecular consequence: missense variant.
Genome position (GRCh38, 1-based): chr22:30,934,161, C>G on the plus strand (G>C on the coding strand, the complement: MORC2 is on the minus strand). VCF-style: chr22-30934161-C-G. GRCh37 (hg19) VCF-style: chr22-31330148-C-G.
Other names: c.2224G>C, p.Val742Leu (NM_001303257.2); c.2038G>C, p.Val680Leu (NM_014941.3); short protein forms V680L, V742L.
Identifiers: ClinVar variation 4803182 (VCV004803182.1).

ClinVar aggregate classification (germline): Uncertain significance (1 of 4 stars; one submission).

Conditions:
Charcot-Marie-Tooth disease axonal type 2Z. Also called: CHARCOT-MARIE-TOOTH DISEASE, AXONAL, AUTOSOMAL DOMINANT, TYPE 2Z; CHARCOT-MARIE-TOOTH NEUROPATHY, TYPE 2Z. Identifiers: Orphanet 466768, MedGen C5569025, MONDO:0014736, OMIM 616688.

Submission:

Labcorp Genetics (formerly Invitae), Labcorp
Classification: Uncertain significance for Charcot-Marie-Tooth disease axonal type 2Z. Last evaluated: 2025-05-22. Review status: criteria provided, single submitter. Criteria: Invitae Variant Classification Sherloc (09022015). Collection method: clinical testing. Allele origin: germline.
Comment: This sequence change replaces valine, which is neutral and non-polar, with leucine, which is neutral and non-polar, at codon 742 of the MORC2 protein (p.Val742Leu). This variant is not present in population databases (gnomAD no frequency). This variant has not been reported in the literature in individuals affected with MORC2-related conditions. Invitae Evidence Modeling of protein sequence and biophysical properties (such as structural, functional, and spatial information, amino acid conservation, physicochemical variation, residue mobility, and thermodynamic stability) indicates that this missense variant is not expected to disrupt MORC2 protein function with a negative predictive value of 95%. In summary, the available evidence is currently insufficient to determine the role of this variant in disease. Therefore, it has been classified as a Variant of Uncertain Significance.